The following is an entry in ClinVar:

ClinVar aggregate classification (germline): Uncertain significance (1 of 4 stars; one submission).

Submission:

Women's Health and Genetics/Laboratory Corporation of America, LabCorp
Classification: Uncertain significance. Last evaluated: 2022-11-03. Review status: criteria provided, single submitter. Criteria: LabCorp Variant Classification Summary - May 2015. Collection method: clinical testing. Allele origin: germline.
Comment: Variant summary: The variant identified by MLPA or other technology involves the duplication of exons 1-3 in the FANCA gene, where exon 1 contains the initiator codon. The exact breakpoint at the 5' end of this variant is unknown and therefore this duplication might extend upstream of the assayed region of the gene. A presumed nomenclature of c.(?_-43)_(283+1_284-1)dup has been designated for the purposes of this classification. It has been assumed that this is a tandem duplication in direct orientation (Richardson_GIM_2018, Newman_AJHG_2015). Since the exact breakpoints of this duplication are not known, it is not possible to predict the protein level effect of this variant. A variant involving the duplication of exons 1-3 together with a large DNA segment (~3 kbp) extending upstream of the gene (which also affects the SPIRE2 gene) was found at a frequency of 0.0024 in 21684 control chromosomes in the gnomAD database, including 2 homozygotes. The observed variant frequency for this duplication is higher than the estimated maximal expected allele frequency for a pathogenic variant in FANCA causing Fanconi Anemia phenotype (0.0022), suggesting that this large duplication variant is benign. To our knowledge, no occurrence of c.(?_-43)_(283+1_284-1)dup in individuals affected with Fanconi Anemia and no experimental evidence demonstrating its impact on protein function have been reported. One clinical diagnostic laboratory has submitted clinical-significance assessments for this variant to ClinVar after 2014 without evidence for independent evaluation, and classified the variant as uncertain significance. In conclusion, while it may be assumed that duplication variants including a large DNA segment upstream of the gene (i.e. containing the promoter- and other essential regulatory elements) might result in regular transcription initiation leading to an intact protein product, shorter tandem duplication variants involving the first 3 exons, could result in a frameshift or in-frame duplication change causing disease. Since it is not possible to distinguish between these two outcomes in the context of this evaluation, the variant was classified as VUS.

NC_000016.9:g.(89877480_89880927)_(89883066_?)dup

Gene: FANCA (FA complementation group A; minus strand). Cytogenetic location: 16q24.3.
Variant type: Duplication.
Identifiers: ClinVar variation 1804648 (VCV001804648.1).